The following is an entry in ClinVar:

NM_138694.4(PKHD1):c.1465G>T (p.Glu489Ter)

Gene: PKHD1 (PKHD1 ciliary IPT domain containing fibrocystin/polyductin; minus strand). Cytogenetic location: 6p12.2.
Variant type: single nucleotide variant.
Coding change: c.1465G>T on transcript NM_138694.4 (MANE Select); coding-DNA position 1465, G replaced by T.
Protein change: p.Glu489Ter; replaces glutamic acid 489 with a stop codon.
Molecular consequence: nonsense.
Genome position (GRCh38, 1-based): chr6:52,058,370, C>A on the plus strand (G>T on the coding strand, the complement: PKHD1 is on the minus strand). VCF-style: chr6-52058370-C-A. GRCh37 (hg19) VCF-style: chr6-51923168-C-A.
Other names: c.1465G>T, p.Glu489Ter (NM_170724.3); short protein forms E489*.
Identifiers: ClinVar variation 4816581 (VCV004816581.1).
Genomic context (GRCh38, chr6:52,058,370, plus strand): 5'-AAGAGACACAGACCTGTACTTCTGGAAGCCTCTGGGCTCGGACTCGGATCTGGTGCTTCT[C>A]CCGTAGGTAAGTGGTGACCACATCAGGATTCAGCCAGGTGTTGTGAATCTGGACACCAAT-3'

ClinVar aggregate classification (germline): Likely pathogenic (1 of 4 stars; one submission).

Conditions:
Autosomal recessive polycystic kidney disease (ARPKD). Also called: AR polycystic kidney disease. Identifiers: Orphanet 731, Orphanet 8378, MedGen C0085548, MeSH D017044, MONDO:0009889.

Submission:

Natera, Inc.
Classification: Likely pathogenic for Autosomal recessive polycystic kidney disease. Last evaluated: 2024-08-26. Review status: criteria provided, single submitter. Criteria: Natera Variant Classification Schema (03/2026). Collection method: clinical testing. Allele origin: germline.
Comment: The c.1465G>T variant in PKHD1 is a nonsense variant predicted to introduce a stop codon at amino acid 489. This variant is expected to result in nonsense mediated decay, truncation, or a dysfunctional protein product. This variant is rare in the general population with a frequency below the threshold expected for the associated phenotype(s). Given the available evidence, this variant is classified as Likely Pathogenic.